The following is an entry in ClinVar:

NM_000535.7(PMS2):c.1040del (p.Glu347fs)

Gene: PMS2 (PMS1 homolog 2, mismatch repair system component; minus strand). Cytogenetic location: 7p22.1.
Variant type: Deletion.
Coding change: c.1040del on transcript NM_000535.7 (MANE Select); coding-DNA position 1040, one base deleted (A; older notation c.1040delA).
Protein change: p.Glu347fs; shifts the reading frame from glutamic acid 347.
Molecular consequence: frameshift variant. On other transcripts: non-coding transcript variant (1), intron variant (2).
Genome position (GRCh38, 1-based): chr7:5,989,904, T deleted on the plus strand (A on the coding strand, the reverse complement: PMS2 is on the minus strand). VCF-style (leftmost placement, unchanged base first): chr7-5989903-CT-C. GRCh37 (hg19) VCF-style: chr7-6029534-CT-C.
Other names: c.635delA, p.Glu212Glyfs (NM_001018040.1, NM_001406887.1, NM_001406888.1 and 13 more transcripts); c.635del, p.Glu212fs (NM_001322003.2, NM_001322004.2, NM_001322005.2 and 1 more transcripts); c.722del, p.Glu241fs (NM_001322007.2, NM_001322008.2); c.107del, p.Glu36fs (NM_001322011.2, NM_001322012.2); c.467del, p.Glu156fs (NM_001322013.2); c.1040del, p.Glu347fs (NM_001322014.2); c.731del, p.Glu244fs (NM_001322015.2); c.1226delA, p.Glu409Glyfs (NM_001406866.1); and 14 more; short protein forms E212fs, E241fs, E347fs, E244fs, E156fs, E36fs.
Identifiers: ClinVar variation 1773984 (VCV001773984.2), dbSNP rs2535934593, ClinGen allele CA2580076750.

ClinVar aggregate classification (germline): Pathogenic (1 of 4 stars; one submission).

Conditions:
Hereditary cancer-predisposing syndrome. Also called: Hereditary Cancer Syndrome; Hereditary neoplastic syndrome; Neoplastic Syndromes, Hereditary; Tumor predisposition. Identifiers: Orphanet 140162, MedGen C0027672, MeSH D009386, MONDO:0015356.

Submission:

Ambry Genetics
Classification: Pathogenic for Hereditary cancer-predisposing syndrome. Last evaluated: 2021-08-18. Review status: criteria provided, single submitter. Criteria: Ambry Variant Classification Scheme 2023. Collection method: clinical testing. Allele origin: germline.
Comment: The c.1040delA variant, located in coding exon 10 of the PMS2 gene, results from a deletion of one nucleotide at nucleotide position 1040, causing a translational frameshift with a predicted alternate stop codon (p.E347Gfs*9). This alteration is expected to result in loss of function by premature protein truncation or nonsense-mediated mRNA decay. As such, this alteration is interpreted as a disease-causing mutation.